The following is an entry in ClinVar:

NM_002709.3(PPP1CB):c.684T>C (p.Ala228=)

Gene: PPP1CB (protein phosphatase 1 catalytic subunit beta; plus strand). Cytogenetic location: 2p23.2.
Variant type: single nucleotide variant.
Coding change: c.684T>C on transcript NM_002709.3 (MANE Select); coding-DNA position 684, T replaced by C.
Protein change: p.Ala228=; no amino-acid change (alanine 228 retained).
Molecular consequence: synonymous variant.
Genome position (GRCh38, 1-based): chr2:28,788,749, T>C. VCF-style: chr2-28788749-T-C. GRCh37 (hg19) VCF-style: chr2-29011615-T-C.
Other names: c.684T>C, p.Ala228= (NM_206876.2).
Identifiers: ClinVar variation 1651393 (VCV001651393.11), dbSNP rs746518742, ClinGen allele CA1589290.

ClinVar aggregate classification (germline): Likely benign. Review status: criteria provided, multiple submitters, no conflicts (2 of 4 stars). 3 submissions from 3 submitters: Likely benign (2). 1 of the submissions does not count toward it. Last evaluated 2025-06-04.

Conditions:
PPP1CB-related disorder. Also called: PPP1CB-related condition.
Cardiovascular phenotype. Identifiers: MedGen CN230736.

Allele frequency attached by ClinVar (database versions not stated): ExAC 0.00001; gnomAD 0.00001; gnomAD exomes 0.00001 and 0.00002; TOPMed 0.00002.
gnomAD v4.1: 27 of 1,613,840 alleles (0.0017%); highest among the groups gnomAD compares: Non-Finnish European, 0.0023%; no homozygotes.

Submissions (3):

Labcorp Genetics (formerly Invitae), Labcorp
Classification: Likely benign. Last evaluated: 2025-06-04. Review status: criteria provided, single submitter. Criteria: Invitae Variant Classification Sherloc (09022015). Collection method: clinical testing. Allele origin: germline.

Ambry Genetics
Classification: Likely benign for Cardiovascular phenotype. Last evaluated: 2019-07-26. Review status: criteria provided, single submitter. Criteria: Ambry Variant Classification Scheme 2023. Collection method: clinical testing. Allele origin: germline.

PreventionGenetics, part of Exact Sciences
Classification: Likely benign for PPP1CB-related condition. Last evaluated: 2024-09-09. Review status: no assertion criteria provided. Collection method: clinical testing. Allele origin: germline. Not counted in ClinVar's aggregate classification.
Comment: This variant is classified as likely benign based on ACMG/AMP sequence variant interpretation guidelines (Richards et al. 2015 PMID: 25741868, with internal and published modifications).